The following is an entry in ClinVar:

ClinVar aggregate classification (germline): Benign (0 of 4 stars; one submission).

Conditions:
HIVEP3-related disorder. Also called: HIVEP3-related condition.

Allele frequency attached by ClinVar (database versions not stated): ESP Exome Variant Server 0.01983; gnomAD 0.02940; TOPMed 0.02999; 1000 Genomes Project 0.03974; 1000 Genomes Project 30x 0.04029; ExAC 0.07475.
gnomAD v4.1: 51,613 of 1,523,114 alleles (3.4%); highest among the groups gnomAD compares: Middle Eastern, 9.5%; 1,227 homozygotes.

Submission:

PreventionGenetics, part of Exact Sciences
Classification: Benign for HIVEP3-related condition. Last evaluated: 2019-11-16. Review status: no assertion criteria provided. Collection method: clinical testing. Allele origin: germline.
Comment: This variant is classified as benign based on ACMG/AMP sequence variant interpretation guidelines (Richards et al. 2015 PMID: 25741868, with internal and published modifications).

NM_024503.5(HIVEP3):c.6998A>G (p.Glu2333Gly)

Gene: HIVEP3 (HIVEP zinc finger 3; minus strand). Cytogenetic location: 1p34.2.
Variant type: single nucleotide variant.
Coding change: c.6998A>G on transcript NM_024503.5 (MANE Select); coding-DNA position 6998, A replaced by G.
Protein change: p.Glu2333Gly; replaces glutamic acid 2333 with glycine.
Molecular consequence: missense variant.
Genome position (GRCh38, 1-based): chr1:41,510,674, T>C on the plus strand (A>G on the coding strand, the complement: HIVEP3 is on the minus strand). VCF-style: chr1-41510674-T-C. GRCh37 (hg19) VCF-style: chr1-41976345-T-C.
Other names: c.6995A>G, p.Glu2332Gly (NM_001127714.3); short protein forms E2332G, E2333G.
Identifiers: ClinVar variation 3056543 (VCV003056543.2), dbSNP rs140839222, ClinGen allele CA797031.